The following is an entry in ClinVar:

ClinVar aggregate classification (germline): Uncertain significance (1 of 4 stars; one submission).

Conditions:
Dilated cardiomyopathy 1G (CMD1G). Identifiers: Orphanet 154, MedGen C1858763, MONDO:0011400, OMIM 604145.
Autosomal recessive limb-girdle muscular dystrophy type 2J (LGMDR10). Also called: Limb-girdle muscular dystrophy, type 2J; MUSCULAR DYSTROPHY, LIMB-GIRDLE, AUTOSOMAL RECESSIVE 10. Identifiers: Orphanet 140922, MedGen C1837342, MONDO:0012127, OMIM 608807.

gnomAD v4.1: 1 of 1,613,558 alleles (0.000062%); highest among the groups gnomAD compares: Non-Finnish European, 0.000085%; no homozygotes.

Submission:

Labcorp Genetics (formerly Invitae), Labcorp
Classification: Uncertain significance for Dilated cardiomyopathy 1G; Autosomal recessive limb-girdle muscular dystrophy type 2J. Last evaluated: 2024-08-17. Review status: criteria provided, single submitter. Criteria: Invitae Variant Classification Sherloc (09022015). Collection method: clinical testing. Allele origin: germline.
Comment: This sequence change replaces serine, which is neutral and polar, with arginine, which is basic and polar, at codon 34888 of the TTN protein (p.Ser34888Arg). This variant is not present in population databases (gnomAD no frequency). This variant has not been reported in the literature in individuals affected with TTN-related conditions. ClinVar contains an entry for this variant (Variation ID: 1420698). Experimental studies and prediction algorithms are not available or were not evaluated, and the functional significance of this variant is currently unknown. This variant is located in the M band of TTN (PMID: 25589632). Non-truncating variants in this region may be relevant for neuromuscular disorders, but have not been definitively shown to cause cardiomyopathy (PMID: 23975875). In summary, the available evidence is currently insufficient to determine the role of this variant in disease. Therefore, it has been classified as a Variant of Uncertain Significance.

Literature cited by the submitters: PubMed 25589632; PubMed 23975875.

NM_001267550.2(TTN):c.104664C>G (p.Ser34888Arg)

Genes: TTN (titin; minus strand), TTN-AS1 (TTN antisense RNA 1; plus strand). Cytogenetic location: 2q31.2.
Variant type: single nucleotide variant.
Coding change: c.104664C>G on transcript NM_001267550.2 (MANE Select); coding-DNA position 104664, C replaced by G.
Protein change: p.Ser34888Arg; replaces serine 34888 with arginine.
Molecular consequence: missense variant.
Genome position (GRCh38, 1-based): chr2:178,531,951, G>C on the plus strand (C>G on the coding strand, the complement: TTN is on the minus strand). VCF-style: chr2-178531951-G-C. GRCh37 (hg19) VCF-style: chr2-179396678-G-C.
Other names: c.99741C>G, p.Ser33247Arg (NM_001256850.1); c.77469C>G, p.Ser25823Arg (NM_003319.4); c.96960C>G, p.Ser32320Arg (NM_133378.4); c.77844C>G, p.Ser25948Arg (NM_133432.3); c.78045C>G, p.Ser26015Arg (NM_133437.4); short protein forms S25948R, S32320R, S33247R, S26015R, S34888R, S25823R.
Identifiers: ClinVar variation 1420698 (VCV001420698.6), dbSNP rs1365150853, ClinGen allele CA349411192.
Genomic context (GRCh38, chr2:178,531,951, plus strand): 5'-AAAGATATCAAATCTTGCAGACCTCTCAAATCTCGAGAGTGATCTCTCACTAGACACAGG[G>C]CTGGGGGATCGTGGGCGAGTTCTCTCTGGAGTAGGTGACCTTCTTTCTGTGTCATCTTCG-3'
Protein context (NP_001254479.2, residues 34878-34898): TPERTRPRSP[Ser34888Arg]PVSSERSLSR